The following is an entry in ClinVar:

ClinVar aggregate classification (germline): Uncertain significance. Review status: criteria provided, multiple submitters, no conflicts (2 of 4 stars). 2 submissions from 2 submitters: Uncertain significance (2). Last evaluated 2022-07-22.

Conditions:
Brugada syndrome 8 (BRGDA8). Identifiers: Orphanet 130, MedGen C2751083, MONDO:0013148, OMIM 613123.

Allele frequency attached by ClinVar (database versions not stated): gnomAD exomes below 0.00001; gnomAD 0.00001; TOPMed 0.00001.
gnomAD v4.1: 2 of 1,605,852 alleles (0.00012%); highest among the groups gnomAD compares: Non-Finnish European, 0.00017%; no homozygotes.

Submissions (2):

Blueprint Genetics
Classification: Uncertain significance. Last evaluated: 2022-07-22. Review status: criteria provided, single submitter. Criteria: ACMG Guidelines, 2015. Collection method: clinical testing. Allele origin: germline.

Labcorp Genetics (formerly Invitae), Labcorp
Classification: Uncertain significance for Brugada syndrome 8. Last evaluated: 2022-03-18. Review status: criteria provided, single submitter. Criteria: Invitae Variant Classification Sherloc (09022015). Collection method: clinical testing. Allele origin: germline.
Comment: In summary, the available evidence is currently insufficient to determine the role of this variant in disease. Therefore, it has been classified as a Variant of Uncertain Significance. Advanced modeling of protein sequence and biophysical properties (such as structural, functional, and spatial information, amino acid conservation, physicochemical variation, residue mobility, and thermodynamic stability) performed at Invitae indicates that this missense variant is not expected to disrupt HCN4 protein function. This sequence change replaces histidine, which is basic and polar, with tyrosine, which is neutral and polar, at codon 754 of the HCN4 protein (p.His754Tyr). This variant is not present in population databases (gnomAD no frequency). This missense change has been observed in individual(s) with clinical features of HCN4-related conditions (PMID: 30847666). ClinVar contains an entry for this variant (Variation ID: 999623).

Literature cited by the submitters: PubMed 30847666 (cited by Labcorp Genetics (formerly Invitae), Labcorp).

NM_005477.3(HCN4):c.2260C>T (p.His754Tyr)

Gene: HCN4 (hyperpolarization activated cyclic nucleotide gated potassium channel 4; minus strand). Cytogenetic location: 15q24.1.
Variant type: single nucleotide variant.
Coding change: c.2260C>T on transcript NM_005477.3 (MANE Select); coding-DNA position 2260, C replaced by T.
Protein change: p.His754Tyr; replaces histidine 754 with tyrosine.
Molecular consequence: missense variant.
Genome position (GRCh38, 1-based): chr15:73,323,833, G>A on the plus strand (C>T on the coding strand, the complement: HCN4 is on the minus strand). VCF-style: chr15-73323833-G-A. GRCh37 (hg19) VCF-style: chr15-73616174-G-A.
Other names: short protein forms H754Y.
Identifiers: ClinVar variation 999623 (VCV000999623.11), dbSNP rs1323887002, ClinGen allele CA393089238.
Genomic context (GRCh38, chr15:73,323,833, plus strand): 5'-AGATGACGGGCGTGGGGGTTGGGGTGGCAGAGGCAGCAGCCTGGACGCGGTGCGCGCAGT[G>A]GGCCATCTCCCGGTCATGCTGCACAATCTGCTGGATGATCTCATTCTCCTGGTAGTTGAA-3'
Protein context (NP_005468.1, residues 744-764): QIVQHDREMA[His754Tyr]CAHRVQAAAS